The following is an entry in ClinVar:

NM_001127198.5(TMC6):c.370G>C (p.Ala124Pro)

Gene: TMC6 (transmembrane channel like 6; minus strand). Cytogenetic location: 17q25.3.
Variant type: single nucleotide variant.
Coding change: c.370G>C on transcript NM_001127198.5 (MANE Select); coding-DNA position 370, G replaced by C.
Protein change: p.Ala124Pro; replaces alanine 124 with proline.
Molecular consequence: missense variant. On other transcripts: non-coding transcript variant (4).
Genome position (GRCh38, 1-based): chr17:78,125,786, C>G on the plus strand (G>C on the coding strand, the complement: TMC6 is on the minus strand). VCF-style: chr17-78125786-C-G. GRCh37 (hg19) VCF-style: chr17-76121867-C-G.
Other names: c.370G>C, p.Ala124Pro (NM_001321185.1, NM_001374593.1, NM_001374594.1 and 4 more transcripts); short protein forms A124P.
Identifiers: ClinVar variation 2056921 (VCV002056921.4), dbSNP rs759925295, ClinGen allele CA294356261.

ClinVar aggregate classification (germline): Uncertain significance. Review status: criteria provided, multiple submitters, no conflicts (2 of 4 stars). 2 submissions from 2 submitters: Uncertain significance (2). Last evaluated 2022-07-17.

Conditions:
Epidermodysplasia verruciformis. Identifiers: Orphanet 302, MedGen C0014522, MONDO:0009176.

gnomAD v4.1: 11 of 1,562,132 alleles (0.0007%); highest among the groups gnomAD compares: African/African-American, 0.0014%; no homozygotes.

Submissions (2):

Labcorp Genetics (formerly Invitae), Labcorp
Classification: Uncertain significance for Epidermodysplasia verruciformis. Last evaluated: 2022-07-17. Review status: criteria provided, single submitter. Criteria: Invitae Variant Classification Sherloc (09022015). Collection method: clinical testing. Allele origin: germline.
Comment: This sequence change replaces alanine, which is neutral and non-polar, with proline, which is neutral and non-polar, at codon 124 of the TMC6 protein (p.Ala124Pro). This variant is not present in population databases (gnomAD no frequency). This variant has not been reported in the literature in individuals affected with TMC6-related conditions. Algorithms developed to predict the effect of missense changes on protein structure and function are either unavailable or do not agree on the potential impact of this missense change (SIFT: "Not Available"; PolyPhen-2: "Probably Damaging"; Align-GVGD: "Not Available"). In summary, the available evidence is currently insufficient to determine the role of this variant in disease. Therefore, it has been classified as a Variant of Uncertain Significance.

Blueprint Genetics
Classification: Uncertain significance. Last evaluated: 2020-08-27. Review status: criteria provided, single submitter. Criteria: ACMG Guidelines, 2015. Collection method: clinical testing. Allele origin: germline.